The following is an entry in ClinVar:

ClinVar aggregate classification (germline): Uncertain significance (1 of 4 stars; one submission).

Conditions:
Developmental and epileptic encephalopathy, 25 (DEE25). Also called: Epileptic encephalopathy, early infantile, 25; Developmental and epileptic encephalopathy 25, with amelogenesis imperfecta; Epileptic encephalopathy, early infantile, 25, with amelogenesis imperfecta. Identifiers: Orphanet 442835, MedGen C4014621, MONDO:0014392, OMIM 615905.

Submission:

Labcorp Genetics (formerly Invitae), Labcorp
Classification: Uncertain significance for Developmental and epileptic encephalopathy, 25. Last evaluated: 2019-03-16. Review status: criteria provided, single submitter. Criteria: Invitae Variant Classification Sherloc (09022015). Collection method: clinical testing. Allele origin: germline.
Comment: Algorithms developed to predict the effect of missense changes on protein structure and function are either unavailable or do not agree on the potential impact of this missense change (SIFT: "Tolerated"; PolyPhen-2: "Possibly Damaging"; Align-GVGD: "Class C0"). This variant has not been reported in the literature in individuals with SLC13A5-related conditions. This variant is not present in population databases (ExAC no frequency). This sequence change replaces serine with proline at codon 60 of the SLC13A5 protein (p.Ser60Pro). The serine residue is moderately conserved and there is a moderate physicochemical difference between serine and proline. In summary, the available evidence is currently insufficient to determine the role of this variant in disease. Therefore, it has been classified as a Variant of Uncertain Significance.

NM_177550.5(SLC13A5):c.178T>C (p.Ser60Pro)

Gene: SLC13A5 (solute carrier family 13 member 5; minus strand). Cytogenetic location: 17p13.1.
Variant type: single nucleotide variant.
Coding change: c.178T>C on transcript NM_177550.5 (MANE Select); coding-DNA position 178, T replaced by C.
Protein change: p.Ser60Pro; replaces serine 60 with proline.
Molecular consequence: missense variant. On other transcripts: intron variant (1).
Genome position (GRCh38, 1-based): chr17:6,707,081, A>G on the plus strand (T>C on the coding strand, the complement: SLC13A5 is on the minus strand). VCF-style: chr17-6707081-A-G. GRCh37 (hg19) VCF-style: chr17-6610400-A-G.
Other names: c.178T>C, p.Ser60Pro (NM_001143838.3, NM_001284509.2); c.103-303T>C (NM_001284510.2); short protein forms S60P.
Identifiers: ClinVar variation 853744 (VCV000853744.10), dbSNP rs1973889704, ClinGen allele CA397751627.